The following is an entry in ClinVar:

ClinVar aggregate classification (germline): Benign/Likely benign. Review status: criteria provided, multiple submitters, no conflicts (2 of 4 stars). 5 submissions from 5 submitters: Benign (1); Likely benign (3). 1 of the submissions does not count toward it. Last evaluated 2026-01-28.

Conditions:
NEU1-related disorder. Also called: NEU1-related condition.

Allele frequency attached by ClinVar (database versions not stated): gnomAD exomes 0.00009 and 0.00023; ExAC 0.00030; 1000 Genomes Project 30x 0.00047; 1000 Genomes Project 0.00060; gnomAD 0.00082 and 0.00093; ESP Exome Variant Server 0.00083; TOPMed 0.00100.

Submissions (5):

Labcorp Genetics (formerly Invitae), Labcorp
Classification: Benign. Last evaluated: 2026-01-28. Review status: criteria provided, single submitter. Criteria: Invitae Variant Classification Sherloc (09022015). Collection method: clinical testing. Allele origin: germline.

Mayo Clinic Laboratories, Mayo Clinic
Classification: Likely benign. Last evaluated: 2025-09-15. Review status: criteria provided, single submitter. Criteria: ACMG Guidelines, 2015. Collection method: clinical testing. Allele origin: germline. Observed: 4 variant alleles.
Comment: BS1, BP4, BP7

Blueprint Genetics
Classification: Likely benign. Last evaluated: 2024-07-19. Review status: criteria provided, single submitter. Criteria: ACMG Guidelines, 2015. Collection method: clinical testing. Allele origin: germline.

GeneDx
Classification: Likely benign. Last evaluated: 2020-02-03. Review status: criteria provided, single submitter. Criteria: GeneDx Variant Classification Process June 2021. Collection method: clinical testing. Allele origin: germline. Affected: yes.

PreventionGenetics, part of Exact Sciences
Classification: Likely benign for NEU1-related condition. Last evaluated: 2019-02-20. Review status: no assertion criteria provided. Collection method: clinical testing. Allele origin: germline. Not counted in ClinVar's aggregate classification.
Comment: This variant is classified as likely benign based on ACMG/AMP sequence variant interpretation guidelines (Richards et al. 2015 PMID: 25741868, with internal and published modifications).

Literature cited by the submitters: PubMed 25153125 (cited by Mayo Clinic Laboratories, Mayo Clinic).

NM_000434.4(NEU1):c.1239G>A (p.Gly413=)

Gene: NEU1 (neuraminidase 1; minus strand). Cytogenetic location: 6p21.33.
Variant type: single nucleotide variant.
Coding change: c.1239G>A on transcript NM_000434.4 (MANE Select); coding-DNA position 1239, G replaced by A.
Protein change: p.Gly413=; no amino-acid change (glycine 413 retained).
Molecular consequence: synonymous variant.
Genome position (GRCh38, 1-based): chr6:31,859,728, C>T on the plus strand (G>A on the coding strand, the complement: NEU1 is on the minus strand). VCF-style: chr6-31859728-C-T. GRCh37 (hg19) VCF-style: chr6-31827505-C-T.
Other names: p.Gly413=.
Identifiers: ClinVar variation 784070 (VCV000784070.18), dbSNP rs114618932, ClinGen allele CA3724859.